The following is an entry in ClinVar:

ClinVar aggregate classification (germline): Pathogenic. Review status: criteria provided, single submitter (1 of 4 stars). 2 submissions from 2 submitters: Pathogenic (1). 1 of the submissions does not count toward it. Last evaluated 2026-01-25.

Conditions:
LAMA2-related muscular dystrophy (LAMA2-RD). Also called: Laminin alpha 2-related dystrophy. Identifiers: MedGen C5679788, MONDO:0100228.
Merosin deficient congenital muscular dystrophy (MDC1A). Also called: Congenital merosin-deficient muscular dystrophy 1A; Congenital Muscular Dystrophy Type 1A (MDC1A). Identifiers: Orphanet 258, MedGen C1263858, MONDO:0011925, OMIM 607855.

Allele frequency attached by ClinVar (database versions not stated): gnomAD exomes below 0.00001; ExAC 0.00001; ESP Exome Variant Server 0.00008.
gnomAD v4.1: 2 of 1,577,138 alleles (0.00013%); highest among the groups gnomAD compares: Non-Finnish European, 0.00017%; no homozygotes.

Submissions (2):

Labcorp Genetics (formerly Invitae), Labcorp
Classification: Pathogenic for LAMA2-related muscular dystrophy. Last evaluated: 2026-01-25. Review status: criteria provided, single submitter. Criteria: Invitae Variant Classification Sherloc (09022015). Collection method: clinical testing. Allele origin: germline.
Comment: This sequence change falls in intron 63 of the LAMA2 gene. It does not directly change the encoded amino acid sequence of the LAMA2 protein. This variant is present in population databases (rs372370665, gnomAD 0.0009%). This variant has been observed in individual(s) with LAMA2-related conditions (PMID: 36373293). It has also been observed to segregate with disease in related individuals. ClinVar contains an entry for this variant (Variation ID: 1691256). Algorithms developed to predict the effect of sequence changes on RNA splicing suggest that this variant may disrupt the consensus splice site. For these reasons, this variant has been classified as Pathogenic.

Service de Génétique Moléculaire, Hôpital Robert Debré
Classification: Likely pathogenic for Merosin deficient congenital muscular dystrophy. Review status: no assertion criteria provided. Collection method: clinical testing. Allele origin: unknown. Inheritance: Autosomal recessive inheritance. Affected: yes. Observed: 1 compound heterozygote. Not counted in ClinVar's aggregate classification.

Literature cited by the submitters: PubMed 36373293 (cited by Labcorp Genetics (formerly Invitae), Labcorp).

NM_000426.4(LAMA2):c.8989-15T>G

Gene: LAMA2 (laminin subunit alpha 2; plus strand). Cytogenetic location: 6q22.33.
Variant type: single nucleotide variant.
Coding change: c.8989-15T>G on transcript NM_000426.4 (MANE Select); 15 bases into the intron before coding-DNA position 8989, T replaced by G.
Molecular consequence: intron variant.
Genome position (GRCh38, 1-based): chr6:129,514,358, T>G. VCF-style: chr6-129514358-T-G. GRCh37 (hg19) VCF-style: chr6-129835503-T-G.
Other names: c.8977-15T>G (NM_001079823.2).
Identifiers: ClinVar variation 1691256 (VCV001691256.4), dbSNP rs372370665, ClinGen allele CA3995005.